The following is an entry in ClinVar:

ClinVar aggregate classification (germline): Uncertain significance. Review status: criteria provided, multiple submitters, no conflicts (2 of 4 stars). 3 submissions from 3 submitters: Uncertain significance (3). Last evaluated 2025-09-28.

Conditions:
Hereditary cancer-predisposing syndrome. Also called: Neoplastic Syndromes, Hereditary; Tumor predisposition; Hereditary Cancer Syndrome; Hereditary neoplastic syndrome. Identifiers: Orphanet 140162, MedGen C0027672, MeSH D009386, MONDO:0015356.
Nijmegen breakage syndrome-like disorder (NBSLD). Also called: MICROCEPHALY AND SPONTANEOUS CHROMOSOME INSTABILITY WITHOUT IMMUNODEFICIENCY; NBS-LIKE DISORDER; RAD50 DEFICIENCY. Identifiers: Orphanet 240760, MedGen C2751318, MONDO:0013118, OMIM 613078.

Allele frequency attached by ClinVar (database versions not stated): gnomAD 0.00001.
gnomAD v4.1: 10 of 1,613,278 alleles (0.00062%); highest among the groups gnomAD compares: Non-Finnish European, 0.00085%; no homozygotes.

Submissions (3):

Ambry Genetics
Classification: Uncertain significance for Hereditary cancer-predisposing syndrome. Last evaluated: 2025-09-28. Review status: criteria provided, single submitter. Criteria: Ambry Variant Classification Scheme 2023. Collection method: clinical testing. Allele origin: germline.
Comment: The p.E239Q variant (also known as c.715G>C), located in coding exon 5 of the RAD50 gene, results from a G to C substitution at nucleotide position 715. The glutamic acid at codon 239 is replaced by glutamine, an amino acid with highly similar properties. This variant was reported in 1/1313 early-onset breast cancer cases and 0/1123 population controls (Damiola F et al. Breast Cancer Res., 2014 Jun;16:R58). This amino acid position is well conserved in available vertebrate species. In addition, this alteration is predicted to be tolerated by in silico analysis. Since supporting evidence is limited at this time, the clinical significance of this alteration remains unclear.

Baylor Genetics
Classification: Uncertain significance for Nijmegen breakage syndrome-like disorder. Last evaluated: 2023-09-03. Review status: criteria provided, single submitter. Criteria: ACMG Guidelines, 2015. Collection method: clinical testing. Allele origin: unknown.

Labcorp Genetics (formerly Invitae), Labcorp
Classification: Uncertain significance for Hereditary cancer-predisposing syndrome. Last evaluated: 2021-12-25. Review status: criteria provided, single submitter. Criteria: Invitae Variant Classification Sherloc (09022015). Collection method: clinical testing. Allele origin: germline.
Comment: In summary, the available evidence is currently insufficient to determine the role of this variant in disease. Therefore, it has been classified as a Variant of Uncertain Significance. Algorithms developed to predict the effect of missense changes on protein structure and function are either unavailable or do not agree on the potential impact of this missense change (SIFT: "Tolerated"; PolyPhen-2: "Possibly Damaging"; Align-GVGD: "Class C0"). ClinVar contains an entry for this variant (Variation ID: 482084). This variant has not been reported in the literature in individuals affected with RAD50-related conditions. This variant is not present in population databases (gnomAD no frequency). This sequence change replaces glutamic acid, which is acidic and polar, with glutamine, which is neutral and polar, at codon 239 of the RAD50 protein (p.Glu239Gln).

Literature cited by the submitters: PubMed 24894818 (cited by Ambry Genetics).

NM_005732.4(RAD50):c.715G>C (p.Glu239Gln)

Gene: RAD50 (RAD50 double strand break repair protein; plus strand). Cytogenetic location: 5q31.1.
Variant type: single nucleotide variant.
Coding change: c.715G>C on transcript NM_005732.4 (MANE Select); coding-DNA position 715, G replaced by C.
Protein change: p.Glu239Gln; replaces glutamic acid 239 with glutamine.
Molecular consequence: missense variant.
Genome position (GRCh38, 1-based): chr5:132,580,025, G>C. VCF-style: chr5-132580025-G-C. GRCh37 (hg19) VCF-style: chr5-131915717-G-C.
Other names: short protein forms E239Q.
Identifiers: ClinVar variation 482084 (VCV000482084.15), dbSNP rs773887771, ClinGen allele CA360936921.